The following is an entry in ClinVar:

NM_002474.3(MYH11):c.444C>A (p.His148Gln)

Gene: MYH11 (myosin heavy chain 11; minus strand). Cytogenetic location: 16p13.11.
Variant type: single nucleotide variant.
Coding change: c.444C>A on transcript NM_002474.3 (MANE Select); coding-DNA position 444, C replaced by A.
Protein change: p.His148Gln; replaces histidine 148 with glutamine.
Molecular consequence: missense variant.
Genome position (GRCh38, 1-based): chr16:15,823,313, G>T on the plus strand (C>A on the coding strand, the complement: MYH11 is on the minus strand). VCF-style: chr16-15823313-G-T. GRCh37 (hg19) VCF-style: chr16-15917170-G-T.
Other names: c.444C>A, p.His148Gln (NM_001040113.2, NM_001040114.2, NM_022844.3); short protein forms H148Q.
Identifiers: ClinVar variation 1171227 (VCV001171227.4), dbSNP rs569925780, ClinGen allele CA394882380.
Genomic context (GRCh38, chr16:15,823,313, plus strand): 5'-ACCTTGAAGCATGCTCCGGTAGGCCGTGTCTGCGATGGCGTAGATGTGAGGCGGCATCTC[G>T]TGCCTCTTCTTGCCCTTGTACATGTCGACGATCTTCTCCGAGTAGATGGGCAGGTGTTTA-3'
Protein context (NP_002465.1, residues 138-158): IVDMYKGKKR[His148Gln]EMPPHIYAIA

ClinVar aggregate classification (germline): Uncertain significance. Review status: criteria provided, multiple submitters, no conflicts (2 of 4 stars). 2 submissions from 2 submitters: Uncertain significance (2). Last evaluated 2024-03-06.

Conditions:
Familial thoracic aortic aneurysm and aortic dissection (TAAD). Also called: Thoracic aortic aneurysms and dissections. Identifiers: Orphanet 91387, MedGen C4707243, MONDO:0019625.

gnomAD v4.1: 1 of 1,614,166 alleles (0.000062%); highest among the groups gnomAD compares: Non-Finnish European, 0.000085%; no homozygotes.

Submissions (2):

Color Diagnostics, LLC DBA Color Health
Classification: Uncertain significance for Familial thoracic aortic aneurysm and aortic dissection. Last evaluated: 2024-03-06. Review status: criteria provided, single submitter. Criteria: ACMG Guidelines, 2015. Collection method: clinical testing. Allele origin: germline.
Comment: This missense variant replaces histidine with glutamine at codon 148 of the MYH11 protein. Computational prediction is inconclusive regarding the impact of this variant on protein structure and function (internally defined REVEL score threshold 0.5 < inconclusive < 0.7, PMID: 27666373). To our knowledge, functional studies have not been reported for this variant. This variant has not been reported in individuals affected with cardiovascular disorders in the literature. This variant has not been identified in the general population by the Genome Aggregation Database (gnomAD). The available evidence is insufficient to determine the role of this variant in disease conclusively. Therefore, this variant is classified as a Variant of Uncertain Significance.

All of Us Research Program, National Institutes of Health
Classification: Uncertain significance for Familial thoracic aortic aneurysm and aortic dissection. Last evaluated: 2023-05-31. Review status: criteria provided, single submitter. Criteria: ACMG Guidelines, 2015. Collection method: clinical testing. Allele origin: germline. Inheritance: Autosomal dominant inheritance. Observed: 1 variant allele, 1 heterozygote.
Comment: This missense variant replaces histidine with glutamine at codon 148 of the MYH11 protein. Computational prediction is inconclusive regarding the impact of this variant on protein structure and function (internally defined REVEL score threshold 0.5 < inconclusive < 0.7, PMID: 27666373). To our knowledge, functional studies have not been reported for this variant. This variant has not been reported in individuals affected with cardiovascular disorders in the literature. This variant has not been identified in the general population by the Genome Aggregation Database (gnomAD). The available evidence is insufficient to determine the role of this variant in disease conclusively. Therefore, this variant is classified as a Variant of Uncertain Significance.

This study involves interpretation of variants in research participants for the purpose of population health screening. Participant phenotype was not available at the time of variant classification. Additional details can be found in publication PMID: 35346344, PMCID: PMC8962531